The following is an entry in ClinVar:

ClinVar aggregate classification (germline): Conflicting classifications of pathogenicity. Review status: criteria provided, conflicting classifications (1 of 4 stars). 9 submissions from 9 submitters: Uncertain significance (1); Likely benign (6). 2 of the submissions do not count toward it. Last evaluated 2026-01-27.

Conditions:
Breast and/or ovarian cancer. Identifiers: MedGen CN221562.
Hereditary cancer-predisposing syndrome. Also called: Tumor predisposition; Neoplastic Syndromes, Hereditary; Hereditary neoplastic syndrome; Hereditary Cancer Syndrome. Identifiers: Orphanet 140162, MedGen C0027672, MeSH D009386, MONDO:0015356.
Breast-ovarian cancer, familial, susceptibility to, 4. Identifiers: Orphanet 145, MedGen C3280345, MONDO:0013669, OMIM 614291.

Allele frequency attached by ClinVar (database versions not stated): ExAC 0.00002; gnomAD exomes 0.00002 and 0.00003; gnomAD 0.00003 and 0.00004; TOPMed 0.00006.
gnomAD v4.1: 36 of 1,606,214 alleles (0.0022%); highest among the groups gnomAD compares: Middle Eastern, 0.016%; no homozygotes.

Submissions (9):

Labcorp Genetics (formerly Invitae), Labcorp
Classification: Likely benign for Breast-ovarian cancer, familial, susceptibility to, 4. Last evaluated: 2026-01-27. Review status: criteria provided, single submitter. Criteria: Invitae Variant Classification Sherloc (09022015). Collection method: clinical testing. Allele origin: germline.

Blueprint Genetics
Classification: Likely benign. Last evaluated: 2024-10-29. Review status: criteria provided, single submitter. Criteria: ACMG Guidelines, 2015. Collection method: clinical testing. Allele origin: germline.

Myriad Genetics, Inc.
Classification: Likely benign for Breast-ovarian cancer, familial, susceptibility to, 4. Last evaluated: 2023-04-06. Review status: criteria provided, single submitter. Criteria: Myriad Autosomal Dominant, Autosomal Recessive and X-Linked Classification Criteria (2023). Collection method: clinical testing. Allele origin: unknown.
Comment: This variant is considered likely benign. This variant is intronic and is not expected to impact mRNA splicing.

Sema4
Classification: Uncertain significance for Hereditary cancer-predisposing syndrome. Last evaluated: 2022-02-07. Review status: criteria provided, single submitter. Criteria: Sema4 Curation Guidelines. Collection method: curation. Allele origin: germline.
Comment: The RAD51D c.145-13G>T variant has not been reported in the literature to our knowledge. This variant was observed in 7/113536 chromosomes in the Non-Finnish European population according to the Genome Aggregation Database (PMID: 32461654). This variant has been reported in ClinVar (Variation ID: 380544). Algorithms developed to predict the effect of sequence changes on RNA splicing do not suggest negative effect, though these predictions have not been confirmed by functional studies. The evidence is insufficient to meet ACMG/AMP criteria for classifying the variant as benign or pathogenic. Thus, the clinical significance of this variant is currently uncertain.

CHEO Genetics Diagnostic Laboratory, Children's Hospital of Eastern Ontario
Classification: Likely benign for Breast and/or ovarian cancer. Last evaluated: 2021-05-06. Review status: criteria provided, single submitter. Criteria: ACMG Guidelines, 2015. Collection method: clinical testing. Allele origin: germline.

GeneDx
Classification: Likely benign. Last evaluated: 2020-11-24. Review status: criteria provided, single submitter. Criteria: GeneDx Variant Classification Process June 2021. Collection method: clinical testing. Allele origin: germline. Affected: yes.

Color Diagnostics, LLC DBA Color Health
Classification: Likely benign for Hereditary cancer-predisposing syndrome. Last evaluated: 2016-10-27. Review status: criteria provided, single submitter. Criteria: ACMG Guidelines, 2015. Collection method: clinical testing. Allele origin: germline.

Counsyl
Classification: Likely benign for Breast-ovarian cancer, familial, susceptibility to, 4. Last evaluated: 2017-06-05. Review status: no assertion criteria provided. Collection method: clinical testing. Allele origin: unknown. Not counted in ClinVar's aggregate classification.

Department of Pathology and Laboratory Medicine, Sinai Health System
Classification: Uncertain significance. Review status: no assertion criteria provided. Collection method: clinical testing. Allele origin: unknown. Affected: yes. Study: The Canadian Open Genetics Repository (COGR). Not counted in ClinVar's aggregate classification.
Comment: The RAD51D c.145-13G>T variant was not identified in the literature nor was it identified in Cosmic database. The variant was identified in dbSNP (ID: rs760867838) as â€šÃ„ÃºWith Likely benign alleleâ€šÃ„Ã¹, and in ClinVar (classified as likely benign by GeneDx and Color Genomics). The variant was identified in control databases in 8 of 276832 chromosomes at a frequency of 0.00003 (Genome Aggregation Database Feb 27, 2017). The variant was observed in the following populations: Other in 1 of 6462 chromosomes (freq: 0.0002), and European in 7 of 126576 chromosomes (freq: 0.0001); it was not observed in the African, Latino, Ashkenazi Jewish, East Asian, Finnish, and South Asian populations. The variant occurs outside of the splicing consensus sequence and 2 of 5 in silico or computational prediction software programs (SpliceSiteFinder, MaxEntScan, NNSPLICE, GeneSplicer, HumanSpliceFinder) predict a greater than 10% difference in splicing. However, this information is not predictive enough to assume pathogenicity. In summary, based on the above information the clinical significance of this variant cannot be determined with certainty at this time. This variant is classified as a variant of uncertain significance.

NM_002878.4(RAD51D):c.145-13G>T

Genes: RAD51D (RAD51 paralog D; minus strand), RAD51L3-RFFL (RAD51L3-RFFL readthrough; minus strand). Cytogenetic location: 17q12.
Variant type: single nucleotide variant.
Coding change: c.145-13G>T on transcript NM_002878.4 (MANE Select); 13 bases into the intron before coding-DNA position 145, G replaced by T.
Molecular consequence: intron variant.
Genome position (GRCh38, 1-based): chr17:35,118,632, C>A on the plus strand (G>T on the coding strand, the complement: RAD51D is on the minus strand). VCF-style: chr17-35118632-C-A. GRCh37 (hg19) VCF-style: chr17-33445651-C-A.
Other names: c.144+479G>T (NM_133629.3, NM_001142571.2).
Identifiers: ClinVar variation 380544 (VCV000380544.19), dbSNP rs760867838, ClinGen allele CA8499643.